The following is an entry in ClinVar:

ClinVar aggregate classification (germline): Uncertain significance. Review status: criteria provided, multiple submitters, no conflicts (2 of 4 stars). 2 submissions from 2 submitters: Uncertain significance (2). Last evaluated 2022-08-21.

Allele frequency attached by ClinVar (database versions not stated): ExAC 0.00001; gnomAD 0.00001; gnomAD exomes 0.00001 and 0.00002.
gnomAD v4.1: 11 of 1,612,882 alleles (0.00068%); highest among the groups gnomAD compares: Non-Finnish European, 0.00093%; no homozygotes.

Submissions (2):

Labcorp Genetics (formerly Invitae), Labcorp
Classification: Uncertain significance. Last evaluated: 2022-08-21. Review status: criteria provided, single submitter. Criteria: Invitae Variant Classification Sherloc (09022015). Collection method: clinical testing. Allele origin: germline.
Comment: Algorithms developed to predict the effect of missense changes on protein structure and function output the following: SIFT: "Tolerated"; PolyPhen-2: "Benign"; Align-GVGD: "Class C0". The asparagine amino acid residue is found in multiple mammalian species, which suggests that this missense change does not adversely affect protein function. In summary, the available evidence is currently insufficient to determine the role of this variant in disease. Therefore, it has been classified as a Variant of Uncertain Significance. ClinVar contains an entry for this variant (Variation ID: 1369628). This variant has not been reported in the literature in individuals affected with CFB-related conditions. This variant is present in population databases (rs777754697, gnomAD 0.005%). This sequence change replaces aspartic acid, which is acidic and polar, with asparagine, which is neutral and polar, at codon 758 of the CFB protein (p.Asp758Asn).

Mayo Clinic Laboratories, Mayo Clinic
Classification: Uncertain significance. Last evaluated: 2021-10-26. Review status: criteria provided, single submitter. Criteria: ACMG Guidelines, 2015. Collection method: clinical testing. Allele origin: germline.

NM_001710.6(CFB):c.2272G>A (p.Asp758Asn)

Gene: CFB (complement factor B; plus strand). Cytogenetic location: 6p21.33.
Variant type: single nucleotide variant.
Coding change: c.2272G>A on transcript NM_001710.6 (MANE Select); coding-DNA position 2272, G replaced by A.
Protein change: p.Asp758Asn; replaces aspartic acid 758 with asparagine.
Molecular consequence: missense variant.
Genome position (GRCh38, 1-based): chr6:31,952,007, G>A. VCF-style: chr6-31952007-G-A. GRCh37 (hg19) VCF-style: chr6-31919784-G-A.
Other names: p.Asp758Asn; short protein forms D758N.
Identifiers: ClinVar variation 1369628 (VCV001369628.9), dbSNP rs777754697, ClinGen allele CA3728604.